The following is an entry in ClinVar:

NM_001256857.1(USP17L17):c.276C>T (p.Asn92=)

Gene: USP17L17 (ubiquitin specific peptidase 17 like family member 17; plus strand). Cytogenetic location: 4p16.1.
Variant type: single nucleotide variant.
Coding change: c.276C>T on transcript NM_001256857.1 (MANE Select); coding-DNA position 276, C replaced by T.
Protein change: p.Asn92=; no amino-acid change (asparagine 92 retained).
Molecular consequence: synonymous variant.
Genome position (GRCh38, 1-based): chr4:9,244,154, C>T. VCF-style: chr4-9244154-C-T. GRCh37 (hg19) VCF-style: chr4-9245880-C-T.
Identifiers: ClinVar variation 3770944 (VCV003770944.13).

ClinVar aggregate classification (germline): Likely benign (1 of 4 stars; one submission).

Submission:

CeGaT Center for Human Genetics Tuebingen
Classification: Likely benign. Last evaluated: 2026-08-01. Review status: criteria provided, single submitter. Criteria: CeGaT Center For Human Genetics Tuebingen Variant Classification Criteria Version 2. Collection method: clinical testing. Allele origin: germline. Affected: yes. Observed: 3 variant alleles.
Comment: USP17L17: PM2:Supporting, BP4, BP7